The following is an entry in ClinVar:

NM_007289.4(MME):c.838G>T (p.Glu280Ter)

Gene: MME (membrane metalloendopeptidase; plus strand). Cytogenetic location: 3q25.2.
Variant type: single nucleotide variant.
Coding change: c.838G>T on transcript NM_007289.4 (MANE Select); coding-DNA position 838, G replaced by T.
Protein change: p.Glu280Ter; replaces glutamic acid 280 with a stop codon.
Molecular consequence: nonsense.
Genome position (GRCh38, 1-based): chr3:155,138,219, G>T. VCF-style: chr3-155138219-G-T. GRCh37 (hg19) VCF-style: chr3-154856008-G-T.
Other names: c.838G>T, p.Glu280Ter (NM_000902.5, NM_001354642.2, NM_001354643.1 and 2 more transcripts); short protein forms E280*.
Identifiers: ClinVar variation 1723216 (VCV001723216.4), dbSNP rs1402177037, ClinGen allele CA355129430.

ClinVar aggregate classification (germline): Pathogenic/Likely pathogenic. Review status: criteria provided, multiple submitters, no conflicts (2 of 4 stars). 3 submissions from 3 submitters: Pathogenic (2); Likely pathogenic (1). Last evaluated 2026-03-05.

Conditions:
Charcot-Marie-Tooth disease axonal type 2T. Identifiers: Orphanet 443950, MedGen C4015635, OMIM 617017, MONDO:0014866.
Charcot-Marie-Tooth disease type 2. Also called: Charcot-Marie-Tooth type 2. Identifiers: Orphanet 64746, MedGen C0270914, MONDO:0018993.

gnomAD v4.1: 1 of 1,613,456 alleles (0.000062%); highest among the groups gnomAD compares: Non-Finnish European, 0.000085%; no homozygotes.

Submissions (3):

Mendelics
Classification: Pathogenic for Charcot-Marie-Tooth disease axonal type 2T. Last evaluated: 2026-03-05. Review status: criteria provided, single submitter. Criteria: ACMG Guidelines, 2015. Collection method: clinical testing. Allele origin: unknown.
Comment: Likely pathogenic/Pathogenic according to ACMG criteria.

Labcorp Genetics (formerly Invitae), Labcorp
Classification: Pathogenic. Last evaluated: 2025-08-17. Review status: criteria provided, single submitter. Criteria: Invitae Variant Classification Sherloc (09022015). Collection method: clinical testing. Allele origin: germline.
Comment: This sequence change creates a premature translational stop signal (p.Glu280*) in the MME gene. It is expected to result in an absent or disrupted protein product. Loss-of-function variants in MME are known to be pathogenic (PMID: 26991897). This variant is present in population databases (no rsID available, gnomAD 0.0009%). This variant has not been reported in the literature in individuals affected with MME-related conditions. ClinVar contains an entry for this variant (Variation ID: 1723216). Algorithms developed to predict the effect of sequence changes on RNA splicing suggest that this variant may disrupt the consensus splice site. For these reasons, this variant has been classified as Pathogenic.

Dasa
Classification: Likely pathogenic for Charcot-Marie-Tooth disease type 2. Last evaluated: 2022-11-03. Review status: criteria provided, single submitter. Criteria: ACMG Guidelines, 2015. Collection method: clinical testing. Allele origin: germline. Affected: yes. Observed: 1 variant allele.
Comment: The c.838G>T;p.(Glu280*) variant creates a premature translational stop signal in the MME gene. It is expected to result in an absent or disrupted protein product - PVS1. The variant is present at low allele frequencies population databases (rs1402177037 – gnomAD 0.00003987%; ABraOM no frequency) - PM2_supporting. In summary, the currently available evidence indicates that the variant is likely pathogenic.

Literature cited by the submitters: PubMed 26991897 (cited by Labcorp Genetics (formerly Invitae), Labcorp).